The following is an entry in ClinVar:

NM_001199397.3(NEK1):c.887G>A (p.Gly296Glu)

Gene: NEK1 (NIMA related kinase 1; minus strand). Cytogenetic location: 4q33.
Variant type: single nucleotide variant.
Coding change: c.887G>A on transcript NM_001199397.3 (MANE Select); coding-DNA position 887, G replaced by A.
Protein change: p.Gly296Glu; replaces glycine 296 with glutamic acid.
Molecular consequence: missense variant. On other transcripts: non-coding transcript variant (2).
Genome position (GRCh38, 1-based): chr4:169,577,061, C>T on the plus strand (G>A on the coding strand, the complement: NEK1 is on the minus strand). VCF-style: chr4-169577061-C-T. GRCh37 (hg19) VCF-style: chr4-170498212-C-T.
Other names: c.887G>A, p.Gly296Glu (NM_001199398.3, NM_001199399.3, NM_001199400.3 and 7 more transcripts); short protein forms G296E.
Identifiers: ClinVar variation 2009765 (VCV002009765.4), dbSNP rs2546876874, ClinGen allele CA358736310.

ClinVar aggregate classification (germline): Uncertain significance (1 of 4 stars; one submission).

Conditions:
Short-rib thoracic dysplasia 6 with or without polydactyly (SRTD6). Also called: SHORT-RIB THORACIC DYSPLASIA 6 WITH POLYDACTYLY; SHORT-RIB THORACIC DYSPLASIA 6 WITHOUT POLYDACTYLY; POLYDACTYLY WITH NEONATAL CHONDRODYSTROPHY, TYPE II; SHORT RIB-POLYDACTYLY SYNDROME, TYPE IIA; Majewski Syndrome. Identifiers: MedGen C0024507, MONDO:0009894, OMIM 263520.

Allele frequency attached by ClinVar (database versions not stated): gnomAD exomes below 0.00001.
gnomAD v4.1: 1 of 1,613,494 alleles (0.000062%); highest among the groups gnomAD compares: Non-Finnish European, 0.000085%; no homozygotes.

Submission:

Labcorp Genetics (formerly Invitae), Labcorp
Classification: Uncertain significance for Short-rib thoracic dysplasia 6 with or without polydactyly. Last evaluated: 2023-11-27. Review status: criteria provided, single submitter. Criteria: Invitae Variant Classification Sherloc (09022015). Collection method: clinical testing. Allele origin: germline.
Comment: This sequence change replaces glycine, which is neutral and non-polar, with glutamic acid, which is acidic and polar, at codon 296 of the NEK1 protein (p.Gly296Glu). This variant is not present in population databases (gnomAD no frequency). This variant has not been reported in the literature in individuals affected with NEK1-related conditions. ClinVar contains an entry for this variant (Variation ID: 2009765). Advanced modeling of protein sequence and biophysical properties (such as structural, functional, and spatial information, amino acid conservation, physicochemical variation, residue mobility, and thermodynamic stability) performed at Invitae indicates that this missense variant is not expected to disrupt NEK1 protein function with a negative predictive value of 95%. In summary, the available evidence is currently insufficient to determine the role of this variant in disease. Therefore, it has been classified as a Variant of Uncertain Significance.